The following is an entry in ClinVar:

NM_032383.5(HPS3):c.1778G>A (p.Trp593Ter)

Gene: HPS3 (HPS3 biogenesis of lysosomal organelles complex 2 subunit 1; plus strand). Cytogenetic location: 3q24.
Variant type: single nucleotide variant.
Coding change: c.1778G>A on transcript NM_032383.5 (MANE Select); coding-DNA position 1778, G replaced by A.
Protein change: p.Trp593Ter; replaces tryptophan 593 with a stop codon.
Molecular consequence: nonsense.
Genome position (GRCh38, 1-based): chr3:149,158,752, G>A. VCF-style: chr3-149158752-G-A. GRCh37 (hg19) VCF-style: chr3-148876539-G-A.
Other names: c.1778G>A (NM_032383.4); c.1283G>A, p.Trp428Ter (NM_001308258.2); short protein forms W428*, W593*.
Identifiers: ClinVar variation 1324543 (VCV001324543.14), dbSNP rs1723609962, ClinGen allele CA354922548.

ClinVar aggregate classification (germline): Pathogenic/Likely pathogenic. Review status: criteria provided, multiple submitters, no conflicts (2 of 4 stars). 4 submissions from 4 submitters: Pathogenic (3); Likely pathogenic (1). Last evaluated 2026-04-06.

Conditions:
HPS3-related disorder. Also called: HPS3-related condition.
Hermansky-Pudlak syndrome 3 (HPS3). Identifiers: Orphanet 231512, Orphanet 79430, MedGen C3888001, MONDO:0013555, OMIM 614072.

Allele frequency attached by ClinVar (database versions not stated): gnomAD exomes below 0.00001; TOPMed below 0.00001.
gnomAD v4.1: 1 of 1,612,376 alleles (0.000062%); highest among the groups gnomAD compares: Middle Eastern, 0.017%; no homozygotes.

Submissions (4):

PreventionGenetics, part of Exact Sciences
Classification: Pathogenic for HPS3-related condition. Last evaluated: 2026-04-06. Review status: criteria provided, single submitter. Criteria: ACMG Guidelines, 2015. Collection method: clinical testing. Allele origin: germline.
Comment: The HPS3 c.1778G>A variant is predicted to result in premature protein termination (p.Trp593*). To our knowledge, this variant has not been reported in the literature or in a large population datbase (gnomAD), indicating this variant is rare. It is interpreted as pathogenic and likely pathogenic in ClinVar (Variation ID: 1324543). Nonsense variants in HPS3 are expected to be pathogenic. This variant is interpreted as pathogenic.

Labcorp Genetics (formerly Invitae), Labcorp
Classification: Pathogenic. Last evaluated: 2024-05-06. Review status: criteria provided, single submitter. Criteria: Invitae Variant Classification Sherloc (09022015). Collection method: clinical testing. Allele origin: germline.
Comment: This sequence change creates a premature translational stop signal (p.Trp593*) in the HPS3 gene. It is expected to result in an absent or disrupted protein product. Loss-of-function variants in HPS3 are known to be pathogenic (PMID: 11590544). This variant is not present in population databases (gnomAD no frequency). This variant has not been reported in the literature in individuals affected with HPS3-related conditions. ClinVar contains an entry for this variant (Variation ID: 1324543). Algorithms developed to predict the effect of sequence changes on RNA splicing suggest that this variant may disrupt the consensus splice site. For these reasons, this variant has been classified as Pathogenic.

Baylor Genetics
Classification: Pathogenic for Hermansky-Pudlak syndrome 3. Last evaluated: 2024-02-08. Review status: criteria provided, single submitter. Criteria: ACMG Guidelines, 2015. Collection method: clinical testing. Allele origin: unknown.

Revvity Omics, Revvity
Classification: Likely pathogenic for Hermansky-Pudlak syndrome 3. Last evaluated: 2021-08-23. Review status: criteria provided, single submitter. Criteria: ACMG Guidelines, 2015. Collection method: clinical testing. Allele origin: germline.

Literature cited by the submitters: PubMed 11590544 (cited by Labcorp Genetics (formerly Invitae), Labcorp).